The following is an entry in ClinVar:

NM_014714.4(IFT140):c.1465A>G (p.Met489Val)

Genes: IFT140 (intraflagellar transport 140; minus strand), LOC105371046 (uncharacterized LOC105371046; plus strand). Cytogenetic location: 16p13.3.
Variant type: single nucleotide variant.
Coding change: c.1465A>G on transcript NM_014714.4 (MANE Select); coding-DNA position 1465, A replaced by G.
Protein change: p.Met489Val; replaces methionine 489 with valine.
Molecular consequence: missense variant.
Genome position (GRCh38, 1-based): chr16:1,580,818, T>C on the plus strand (A>G on the coding strand, the complement: IFT140 is on the minus strand). VCF-style: chr16-1580818-T-C. GRCh37 (hg19) VCF-style: chr16-1630819-T-C.
Other names: short protein forms M489V.
Identifiers: ClinVar variation 1368722 (VCV001368722.3), dbSNP rs778765501, ClinGen allele CA7814276.
Genomic context (GRCh38, chr16:1,580,818, plus strand): 5'-CCTGCCAGGTTCGAACTTGAACTCGGTTTGACTCCACCGTGTAAACGTTTTCTTCATGCA[T>C]TGCTAACACAGGCGTCTCACACAAGAAGGTCCCTAAAATGAAAGACGAACATCAGGATGG-3'
Protein context (NP_055529.2, residues 479-499): TFLCETPVLA[Met489Val]HEENVYTVES

ClinVar aggregate classification (germline): Uncertain significance (1 of 4 stars; one submission).

Conditions:
Saldino-Mainzer syndrome (SRTD9). Also called: CONORENAL SYNDROME; Renal dysplasia, retinal pigmentary dystrophy, cerebellar ataxia and skeletal dysplasia; SHORT-RIB THORACIC DYSPLASIA 9 WITHOUT POLYDACTYLY; short-rib thoracic dysplasia 9 with or without polydactyly. Identifiers: Orphanet 140969, MedGen C1849437, MONDO:0009964, OMIM 266920.

Allele frequency attached by ClinVar (database versions not stated): gnomAD exomes below 0.00001; TOPMed below 0.00001; ExAC 0.00001.
gnomAD v4.1: 7 of 1,613,858 alleles (0.00043%); highest among the groups gnomAD compares: South Asian, 0.0077%; no homozygotes.

Submission:

Labcorp Genetics (formerly Invitae), Labcorp
Classification: Uncertain significance for Saldino-Mainzer syndrome. Last evaluated: 2021-09-26. Review status: criteria provided, single submitter. Criteria: Invitae Variant Classification Sherloc (09022015). Collection method: clinical testing. Allele origin: germline.
Comment: This sequence change replaces methionine with valine at codon 489 of the IFT140 protein (p.Met489Val). The methionine residue is moderately conserved and there is a small physicochemical difference between methionine and valine. This variant is present in population databases (rs778765501, ExAC 0.006%). This variant has not been reported in the literature in individuals affected with IFT140-related conditions. Algorithms developed to predict the effect of missense changes on protein structure and function (SIFT, PolyPhen-2, Align-GVGD) all suggest that this variant is likely to be tolerated. Algorithms developed to predict the effect of sequence changes on RNA splicing suggest that this variant may create or strengthen a splice site. In summary, the available evidence is currently insufficient to determine the role of this variant in disease. Therefore, it has been classified as a Variant of Uncertain Significance.